The following is an entry in ClinVar:

ClinVar aggregate classification (germline): Likely benign. Review status: criteria provided, multiple submitters, no conflicts (2 of 4 stars). 2 submissions from 2 submitters: Likely benign (2). Last evaluated 2024-10-24.

Conditions:
KCNV2-related disorder. Also called: KCNV2-related condition.

gnomAD v4.1: 3 of 1,611,196 alleles (0.00019%); highest among the groups gnomAD compares: Admixed American, 0.005%; no homozygotes.

Submissions (2):

PreventionGenetics, part of Exact Sciences
Classification: Likely benign for KCNV2-related condition. Last evaluated: 2024-10-24. Review status: criteria provided, single submitter. Criteria: ACMG Guidelines, 2015. Collection method: clinical testing. Allele origin: germline.
Comment: This variant is classified as likely benign based on ACMG/AMP sequence variant interpretation guidelines (Richards et al. 2015 PMID: 25741868, with internal and published modifications).

Labcorp Genetics (formerly Invitae), Labcorp
Classification: Likely benign. Last evaluated: 2023-10-03. Review status: criteria provided, single submitter. Criteria: Invitae Variant Classification Sherloc (09022015). Collection method: clinical testing. Allele origin: germline.

NM_133497.4(KCNV2):c.1035G>C (p.Pro345=)

Gene: KCNV2 (potassium voltage-gated channel modifier subfamily V member 2; plus strand). Cytogenetic location: 9p24.2.
Variant type: single nucleotide variant.
Coding change: c.1035G>C on transcript NM_133497.4 (MANE Select); coding-DNA position 1035, G replaced by C.
Protein change: p.Pro345=; no amino-acid change (proline 345 retained).
Molecular consequence: synonymous variant.
Genome position (GRCh38, 1-based): chr9:2,718,774, G>C. VCF-style: chr9-2718774-G-C. GRCh37 (hg19) VCF-style: chr9-2718774-G-C.
Other names: c.1035G>C (NM_133497.3).
Identifiers: ClinVar variation 1134956 (VCV001134956.10), dbSNP rs747113494, ClinGen allele CA463853668.